The following is an entry in ClinVar:

ClinVar aggregate classification (germline): Conflicting classifications of pathogenicity. Review status: criteria provided, conflicting classifications (1 of 4 stars). 2 submissions from 2 submitters: Uncertain significance (1); Likely benign (1). Last evaluated 2022-08-24.

Conditions:
Familial thoracic aortic aneurysm and aortic dissection (TAAD). Also called: Thoracic aortic aneurysms and dissections. Identifiers: Orphanet 91387, MedGen C4707243, MONDO:0019625.
Aortic aneurysm, familial thoracic 7 (AAT7). Also called: AORTIC DISSECTION, FAMILIAL, WITH OR WITHOUT AORTIC ANEURYSM. Identifiers: MedGen C3151077, MONDO:0013418, OMIM 613780.

Allele frequency attached by ClinVar (database versions not stated): gnomAD exomes below 0.00001; TOPMed below 0.00001.
gnomAD v4.1: 2 of 1,614,212 alleles (0.00012%); highest among the groups gnomAD compares: Non-Finnish European, 0.00017%; no homozygotes.

Submissions (2):

Ambry Genetics
Classification: Likely benign for Familial thoracic aortic aneurysm and aortic dissection. Last evaluated: 2022-08-24. Review status: criteria provided, single submitter. Criteria: Ambry Variant Classification Scheme 2023. Collection method: clinical testing. Allele origin: germline.

Labcorp Genetics (formerly Invitae), Labcorp
Classification: Uncertain significance for Aortic aneurysm, familial thoracic 7. Last evaluated: 2022-06-30. Review status: criteria provided, single submitter. Criteria: Invitae Variant Classification Sherloc (09022015). Collection method: clinical testing. Allele origin: germline.
Comment: ClinVar contains an entry for this variant (Variation ID: 471727). This variant has not been reported in the literature in individuals affected with MYLK-related conditions. This variant is not present in population databases (gnomAD no frequency). This sequence change replaces threonine, which is neutral and polar, with alanine, which is neutral and non-polar, at codon 1262 of the MYLK protein (p.Thr1262Ala). Advanced modeling of protein sequence and biophysical properties (such as structural, functional, and spatial information, amino acid conservation, physicochemical variation, residue mobility, and thermodynamic stability) performed at Invitae indicates that this missense variant is not expected to disrupt MYLK protein function. In summary, the available evidence is currently insufficient to determine the role of this variant in disease. Therefore, it has been classified as a Variant of Uncertain Significance.

NM_053025.4(MYLK):c.3784A>G (p.Thr1262Ala)

Gene: MYLK (myosin light chain kinase; minus strand). Cytogenetic location: 3q21.1.
Variant type: single nucleotide variant.
Coding change: c.3784A>G on transcript NM_053025.4 (MANE Select); coding-DNA position 3784, A replaced by G.
Protein change: p.Thr1262Ala; replaces threonine 1262 with alanine.
Molecular consequence: missense variant.
Genome position (GRCh38, 1-based): chr3:123,666,266, T>C on the plus strand (A>G on the coding strand, the complement: MYLK is on the minus strand). VCF-style: chr3-123666266-T-C. GRCh37 (hg19) VCF-style: chr3-123385113-T-C.
Other names: c.3256A>G, p.Thr1086Ala (NM_001321309.2); c.3577A>G, p.Thr1193Ala (NM_053026.4, NM_053028.4); c.3784A>G, p.Thr1262Ala (NM_053027.4); short protein forms T1262A, T1193A, T1086A.
Identifiers: ClinVar variation 471727 (VCV000471727.10), dbSNP rs1553788596, ClinGen allele CA354230408.